The following is an entry in ClinVar:

ClinVar aggregate classification (germline): Uncertain significance (1 of 4 stars; one submission).

Allele frequency attached by ClinVar (database versions not stated): TOPMed below 0.00001; gnomAD 0.00001; ExAC 0.00007.
gnomAD v4.1: 41 of 1,613,088 alleles (0.0025%); highest among the groups gnomAD compares: South Asian, 0.045%; no homozygotes.

Submission:

Labcorp Genetics (formerly Invitae), Labcorp
Classification: Uncertain significance. Last evaluated: 2021-09-24. Review status: criteria provided, single submitter. Criteria: Invitae Variant Classification Sherloc (09022015). Collection method: clinical testing. Allele origin: germline.
Comment: This sequence change replaces leucine with valine at codon 10 of the CCDC88A protein (p.Leu10Val). The leucine residue is moderately conserved and there is a small physicochemical difference between leucine and valine. This variant is present in population databases (rs753745458, ExAC 0.05%). This variant has not been reported in the literature in individuals with CCDC88A-related conditions. Algorithms developed to predict the effect of missense changes on protein structure and function are either unavailable or do not agree on the potential impact of this missense change (SIFT: "Tolerated"; PolyPhen-2: "Possibly Damaging"; Align-GVGD: "Class C0"). In summary, the available evidence is currently insufficient to determine the role of this variant in disease. Therefore, it has been classified as a Variant of Uncertain Significance.

NM_001365480.1(CCDC88A):c.28C>G (p.Leu10Val)

Gene: CCDC88A (coiled-coil domain containing 88A; minus strand). Cytogenetic location: 2p16.1.
Variant type: single nucleotide variant.
Coding change: c.28C>G on transcript NM_001365480.1 (MANE Select); coding-DNA position 28, C replaced by G.
Protein change: p.Leu10Val; replaces leucine 10 with valine.
Molecular consequence: missense variant.
Genome position (GRCh38, 1-based): chr2:55,419,052, G>C on the plus strand (C>G on the coding strand, the complement: CCDC88A is on the minus strand). VCF-style: chr2-55419052-G-C. GRCh37 (hg19) VCF-style: chr2-55646188-G-C.
Other names: c.28C>G, p.Leu10Val (NM_001135597.2, NM_001254943.2, NM_018084.5); short protein forms L10V.
Identifiers: ClinVar variation 1935340 (VCV001935340.2), dbSNP rs753745458, ClinGen allele CA1666526.